The following is an entry in ClinVar:

ClinVar aggregate classification (germline): Uncertain significance. Review status: criteria provided, multiple submitters, no conflicts (2 of 4 stars). 4 submissions from 4 submitters: Uncertain significance (4). Last evaluated 2026-03-18.

Conditions:
RIPOR2-related disorder. Also called: RIPOR2-related condition.

Allele frequency attached by ClinVar (database versions not stated): gnomAD 0.00021 and 0.00023; ExAC 0.00022; gnomAD exomes 0.00024 and 0.00048; TOPMed 0.00031; ESP Exome Variant Server 0.00039.
gnomAD v4.1: 724 of 1,613,844 alleles (0.045%); highest among the groups gnomAD compares: Non-Finnish European, 0.057%; no homozygotes.

Submissions (4):

PreventionGenetics, part of Exact Sciences
Classification: Uncertain significance for RIPOR2-related condition. Last evaluated: 2026-03-18. Review status: criteria provided, single submitter. Criteria: ACMG Guidelines, 2015. Collection method: clinical testing. Allele origin: germline.
Comment: The RIPOR2 c.905A>G variant is predicted to result in the amino acid substitution p.Asn302Ser. To our knowledge, this variant has not been reported in the literature. This variant is reported in 0.037% of alleles in individuals of European (Non-Finnish) descent in gnomAD. At this time, the clinical significance of this variant is uncertain due to the absence of conclusive functional and genetic evidence.

GeneDx
Classification: Uncertain significance. Last evaluated: 2025-10-17. Review status: criteria provided, single submitter. Criteria: GeneDx Variant Classification Process June 2021. Collection method: clinical testing. Allele origin: germline. Affected: yes.
Comment: In silico analysis supports that this missense variant has a deleterious effect on protein structure/function; Has not been previously published as pathogenic or benign to our knowledge

Labcorp Genetics (formerly Invitae), Labcorp
Classification: Uncertain significance. Last evaluated: 2025-06-03. Review status: criteria provided, single submitter. Criteria: Invitae Variant Classification Sherloc (09022015). Collection method: clinical testing. Allele origin: germline.
Comment: This sequence change replaces asparagine, which is neutral and polar, with serine, which is neutral and polar, at codon 302 of the FAM65B protein (p.Asn302Ser). This variant is present in population databases (rs201984243, gnomAD 0.04%). This variant has not been reported in the literature in individuals affected with FAM65B-related conditions. ClinVar contains an entry for this variant (Variation ID: 1680514). An algorithm developed to predict the effect of missense changes on protein structure and function (PolyPhen-2) suggests that this variant is likely to be disruptive. In summary, the available evidence is currently insufficient to determine the role of this variant in disease. Therefore, it has been classified as a Variant of Uncertain Significance.

Ambry Genetics
Classification: Uncertain significance. Last evaluated: 2021-06-11. Review status: criteria provided, single submitter. Criteria: Ambry Variant Classification Scheme 2023. Collection method: clinical testing. Allele origin: germline.

NM_001286445.3(RIPOR2):c.992A>G (p.Asn331Ser)

Gene: RIPOR2 (RHO family interacting cell polarization regulator 2; minus strand). Cytogenetic location: 6p22.3.
Variant type: single nucleotide variant.
Coding change: c.992A>G on transcript NM_001286445.3 (MANE Select); coding-DNA position 992, A replaced by G.
Protein change: p.Asn331Ser; replaces asparagine 331 with serine.
Molecular consequence: missense variant.
Genome position (GRCh38, 1-based): chr6:24,849,844, T>C on the plus strand (A>G on the coding strand, the complement: RIPOR2 is on the minus strand). VCF-style: chr6-24849844-T-C. GRCh37 (hg19) VCF-style: chr6-24850072-T-C.
Other names: c.905A>G (NM_014722.3, NM_014722.4, NM_014722.2); c.1007A>G, p.Asn336Ser (NM_001286446.3); c.905A>G, p.Asn302Ser (NM_001286447.2, NM_001346031.2, NM_001346032.2 and 2 more transcripts); short protein forms N302S, N331S, N336S.
Identifiers: ClinVar variation 1680514 (VCV001680514.11), dbSNP rs201984243, ClinGen allele CA3659370.